The following is an entry in ClinVar:

NM_004006.3(DMD):c.8479G>T (p.Glu2827Ter)

Gene: DMD (dystrophin; minus strand). Cytogenetic location: Xp21.2.
Variant type: single nucleotide variant.
Coding change: c.8479G>T on transcript NM_004006.3 (MANE Select); coding-DNA position 8479, G replaced by T.
Protein change: p.Glu2827Ter; replaces glutamic acid 2827 with a stop codon.
Molecular consequence: nonsense.
Genome position (GRCh38, 1-based): chrX:31,496,856, C>A on the plus strand (G>T on the coding strand, the complement: DMD is on the minus strand). VCF-style: chrX-31496856-C-A. GRCh37 (hg19) VCF-style: chrX-31514973-C-A.
Other names: c.8455G>T, p.Glu2819Ter (NM_000109.4); c.8467G>T, p.Glu2823Ter (NM_004009.3); c.8110G>T, p.Glu2704Ter (NM_004010.3); c.4456G>T, p.Glu1486Ter (NM_004011.4); c.4447G>T, p.Glu1483Ter (NM_004012.4); c.1099G>T, p.Glu367Ter (NM_004013.3, NM_004020.4, NM_004021.3 and 2 more transcripts); c.292G>T, p.Glu98Ter (NM_004014.3); short protein forms E1483*, E1486*, E2704*, E2819*, E2823*, E2827*, E367*, E98*.
Identifiers: ClinVar variation 1322652 (VCV001322652.9), dbSNP rs2147075563, ClinGen allele CA412655500.

ClinVar aggregate classification (germline): Pathogenic. Review status: criteria provided, multiple submitters, no conflicts (2 of 4 stars). 3 submissions from 3 submitters: Pathogenic (3). Last evaluated 2025-06-12.

Conditions:
Duchenne muscular dystrophy (DMD). Also called: MUSCULAR DYSTROPHY, PSEUDOHYPERTROPHIC PROGRESSIVE, DUCHENNE TYPE; Duchenne Muscular Dystrophy (DMD). Identifiers: Orphanet 98896, MedGen C0013264, MONDO:0010679, OMIM 310200.

Submissions (3):

GeneDx
Classification: Pathogenic. Last evaluated: 2025-06-12. Review status: criteria provided, single submitter. Criteria: GeneDx Variant Classification Process June 2021. Collection method: clinical testing. Allele origin: germline. Affected: yes.
Comment: Not observed at significant frequency in large population cohorts (gnomAD); Nonsense variant predicted to result in protein truncation or nonsense mediated decay in a gene for which loss of function is a known mechanism of disease; Based on the understanding of this genetic alteration, it may be amenable to nonsense read-through therapy that is currently available or in clinical trial; This variant is associated with the following publications: (PMID: 39454428, 28859693)

Labcorp Genetics (formerly Invitae), Labcorp
Classification: Pathogenic for Duchenne muscular dystrophy. Last evaluated: 2022-08-10. Review status: criteria provided, single submitter. Criteria: Invitae Variant Classification Sherloc (09022015). Collection method: clinical testing. Allele origin: germline.
Comment: This premature translational stop signal has been observed in individual(s) with Duchenne muscular dystrophy (PMID: 28859693). For these reasons, this variant has been classified as Pathogenic. ClinVar contains an entry for this variant (Variation ID: 1322652). This variant is not present in population databases (gnomAD no frequency). This sequence change creates a premature translational stop signal (p.Glu2827*) in the DMD gene. It is expected to result in an absent or disrupted protein product. Loss-of-function variants in DMD are known to be pathogenic (PMID: 16770791, 25007885).

Revvity Omics, Revvity
Classification: Pathogenic. Last evaluated: 2020-11-25. Review status: criteria provided, single submitter. Criteria: ACMG Guidelines, 2015. Collection method: clinical testing. Allele origin: germline.

Literature cited by the submitters: PubMed 28859693 (cited by Labcorp Genetics (formerly Invitae), Labcorp); PubMed 16770791 (cited by Labcorp Genetics (formerly Invitae), Labcorp); PubMed 25007885 (cited by Labcorp Genetics (formerly Invitae), Labcorp).